The following is an entry in ClinVar:

ClinVar aggregate classification (germline): Likely pathogenic (1 of 4 stars; one submission).

Submission:

Labcorp Genetics (formerly Invitae), Labcorp
Classification: Likely pathogenic. Last evaluated: 2023-08-23. Review status: criteria provided, single submitter. Criteria: Invitae Variant Classification Sherloc (09022015). Collection method: clinical testing. Allele origin: germline.
Comment: In summary, the currently available evidence indicates that the variant is pathogenic, but additional data are needed to prove that conclusively. Therefore, this variant has been classified as Likely Pathogenic. Algorithms developed to predict the effect of sequence changes on RNA splicing suggest that this variant may disrupt the consensus splice site. Disruption of this splice site has been observed in individual(s) with autosomal recessive Usher syndrome (PMID: 18463160, 31581539). This variant is not present in population databases (gnomAD no frequency). This sequence change affects a donor splice site in intron 6 of the MYO7A gene. It is expected to disrupt RNA splicing. Variants that disrupt the donor or acceptor splice site typically lead to a loss of protein function (PMID: 16199547), and loss-of-function variants in MYO7A are known to be pathogenic (PMID: 8900236, 25404053).

Literature cited by the submitters: PubMed 18463160; PubMed 31581539; PubMed 16199547; PubMed 8900236; PubMed 25404053.

NM_000260.4(MYO7A):c.592+1G>C

Gene: MYO7A (myosin VIIA; plus strand). Cytogenetic location: 11q13.5.
Variant type: single nucleotide variant.
Coding change: c.592+1G>C on transcript NM_000260.4 (MANE Select); the canonical splice donor site of the intron after coding-DNA position 592, G replaced by C.
Molecular consequence: splice donor variant.
Genome position (GRCh38, 1-based): chr11:77,156,782, G>C. VCF-style: chr11-77156782-G-C. GRCh37 (hg19) VCF-style: chr11-76867828-G-C.
Other names: c.559+1G>C (NM_001369365.1); c.592+1G>C (NM_001127180.2).
Identifiers: ClinVar variation 2754606 (VCV002754606.3), dbSNP rs1206865525, ClinGen allele CA381932001.